The following is an entry in ClinVar:

NM_020988.3(GNAO1):c.844T>C (p.Ser282Pro)

Gene: GNAO1 (G protein subunit alpha o1; plus strand). Cytogenetic location: 16q13.
Variant type: single nucleotide variant.
Coding change: c.844T>C on transcript NM_020988.3 (MANE Select); coding-DNA position 844, T replaced by C.
Protein change: p.Ser282Pro; replaces serine 282 with proline.
Molecular consequence: missense variant.
Genome position (GRCh38, 1-based): chr16:56,351,504, T>C. VCF-style: chr16-56351504-T-C. GRCh37 (hg19) VCF-style: chr16-56385416-T-C.
Other names: short protein forms S282P.
Identifiers: ClinVar variation 1299575 (VCV001299575.1), dbSNP rs2143699753, ClinGen allele CA395954865.

ClinVar aggregate classification (germline): Likely pathogenic (1 of 4 stars; one submission).

Conditions:
Neurodevelopmental disorder with involuntary movements (NEDIM). Identifiers: Orphanet 592564, MedGen C4479569, MONDO:0060491, OMIM 617493.

Submission:

Laboratory of Medical Genetics, National & Kapodistrian University of Athens
Classification: Likely pathogenic for Neurodevelopmental disorder with involuntary movements. Last evaluated: 2021-10-05. Review status: criteria provided, single submitter. Criteria: ACMG Guidelines, 2015. Collection method: clinical testing. Allele origin: unknown. Affected: yes.
Comment: PM1, PM2, PP3